The following is an entry in ClinVar:

ClinVar aggregate classification (germline): Conflicting classifications of pathogenicity. Review status: criteria provided, conflicting classifications (1 of 4 stars). 4 submissions from 3 submitters: Uncertain significance (3); Likely benign (1). Last evaluated 2025-01-26.

Conditions:
Pick disease. Also called: PICK DISEASE OF BRAIN; DEMENTIA WITH LOBAR ATROPHY AND NEURONAL CYTOPLASMIC INCLUSIONS; LOBAR ATROPHY OF BRAIN; Pick's disease; Pick Disease of the Brain. Identifiers: Orphanet 282, MedGen C0236642, MONDO:0008243, OMIM 172700.
Acne inversa, familial, 3 (ACNINV3). Identifiers: MedGen C3151038, MONDO:0013398, OMIM 613737.
Alzheimer disease 3 (AD3). Also called: ALZHEIMER DISEASE, FAMILIAL, 3. Identifiers: Orphanet 1020, MedGen C1843013, MONDO:0011913, OMIM 607822.
Frontotemporal dementia (FTD1). Also called: FRONTOTEMPORAL DEMENTIA WITH PARKINSONISM; FRONTOTEMPORAL LOBE DEMENTIA; MULTIPLE SYSTEM TAUOPATHY WITH PRESENILE DEMENTIA; WILHELMSEN-LYNCH DISEASE; Frontotemporal Dementia with Parkinsonism-17 (FTDP-17); Frontotemporal lobe dementia (FLDEM). Identifiers: Orphanet 282, MedGen C0338451, MONDO:0017276, OMIM 600274, HP:0002145.
Dilated cardiomyopathy 1U. Identifiers: Orphanet 154, MedGen C3160720, MONDO:0013371, OMIM 613694.

Allele frequency attached by ClinVar (database versions not stated): ExAC 0.00001; gnomAD 0.00001; gnomAD exomes 0.00001 and 0.00002; TOPMed 0.00002; ESP Exome Variant Server 0.00008.

Submissions (5):

Labcorp Genetics (formerly Invitae), Labcorp
Classification: Likely benign for Alzheimer disease 3; Pick disease; Acne inversa, familial, 3; Frontotemporal dementia. Last evaluated: 2025-01-26. Review status: criteria provided, single submitter. Criteria: Invitae Variant Classification Sherloc (09022015). Collection method: clinical testing. Allele origin: germline.

Women's Health and Genetics/Laboratory Corporation of America, LabCorp
Classification: Uncertain significance. Last evaluated: 2024-05-03. Review status: criteria provided, single submitter. Criteria: LabCorp Variant Classification Summary - May 2015. Collection method: clinical testing. Allele origin: germline.
Comment: Variant summary: PSEN1 c.80G>A (p.Arg27His) results in a non-conservative amino acid change in the encoded protein sequence. Three of five in-silico tools predict a damaging effect of the variant on protein function. The variant allele was found at a frequency of 1.6e-05 in 250610 control chromosomes (gnomAD). The available data on variant occurrences in the general population are insufficient to allow any conclusion about variant significance. To our knowledge, no occurrence of c.80G>A in individuals affected with Alzheimer Disease, Type 3 and no experimental evidence demonstrating its impact on protein function have been reported. ClinVar contains an entry for this variant (Variation ID: 887368). Based on the evidence outlined above, the variant was classified as uncertain significance.

Illumina Laboratory Services, Illumina
Classification: Uncertain significance for Alzheimer disease 3. Last evaluated: 2018-01-13. Review status: criteria provided, single submitter. Criteria: ICSL Variant Classification Criteria 13 December 2019. Collection method: clinical testing. Allele origin: germline.

Illumina Laboratory Services, Illumina
Classification: Uncertain significance for Dilated cardiomyopathy 1U. Last evaluated: 2018-01-13. Review status: criteria provided, single submitter. Criteria: ICSL Variant Classification Criteria 13 December 2019. Collection method: clinical testing. Allele origin: germline.

Dr. Peter K. Rogan Lab, Western University
No classification provided (evidence only). Condition: Colon adenocarcinoma. Review status: no classification provided. Collection method: in vitro. Allele origin: not applicable. Functional consequence: retained intron. Not counted in ClinVar's aggregate classification.

NM_000021.4(PSEN1):c.80G>A (p.Arg27His)

Gene: PSEN1 (presenilin 1; plus strand). Cytogenetic location: 14q24.2.
Variant type: single nucleotide variant.
Coding change: c.80G>A on transcript NM_000021.4 (MANE Select); coding-DNA position 80, G replaced by A.
Protein change: p.Arg27His; replaces arginine 27 with histidine.
Molecular consequence: missense variant. On other transcripts: intron variant (1).
Genome position (GRCh38, 1-based): chr14:73,148,099, G>A. VCF-style: chr14-73148099-G-A. GRCh37 (hg19) VCF-style: chr14-73614807-G-A.
Other names: c.75+5G>A (NM_007318.3); short protein forms R27H.
Identifiers: ClinVar variation 887368 (VCV000887368.8), dbSNP rs149562759, ClinGen allele CA7256652.